The following is an entry in ClinVar:

NM_199242.3(UNC13D):c.3252T>C (p.His1084=)

Gene: UNC13D (unc-13 homolog D; minus strand). Cytogenetic location: 17q25.1.
Variant type: single nucleotide variant.
Coding change: c.3252T>C on transcript NM_199242.3 (MANE Select); coding-DNA position 3252, T replaced by C.
Protein change: p.His1084=; no amino-acid change (histidine 1084 retained).
Molecular consequence: synonymous variant.
Genome position (GRCh38, 1-based): chr17:75,827,986, A>G on the plus strand (T>C on the coding strand, the complement: UNC13D is on the minus strand). VCF-style: chr17-75827986-A-G. GRCh37 (hg19) VCF-style: chr17-73824067-A-G.
Other names: p.His1084=.
Identifiers: ClinVar variation 263241 (VCV000263241.21), dbSNP rs61753922, ClinGen allele CA8772208.

ClinVar aggregate classification (germline): Benign/Likely benign. Review status: criteria provided, multiple submitters, no conflicts (2 of 4 stars). 6 submissions from 6 submitters: Benign (5); Likely benign (1). Last evaluated 2026-01-31.

Conditions:
Autoinflammatory syndrome. Identifiers: Orphanet 93665, MedGen C3890737, MONDO:0019751.
Familial hemophagocytic lymphohistiocytosis 3 (FHL3). Also called: UNC13D-Related Familial Hemophagocytic Lymphohistiocytosis (UNC13D-fHLH). Identifiers: Orphanet 540, MedGen C1837174, MONDO:0012146, OMIM 608898.

Allele frequency attached by ClinVar (database versions not stated): gnomAD exomes 0.00111 and 0.00283; ExAC 0.00482; ESP Exome Variant Server 0.01171; 1000 Genomes Project 30x 0.01187; 1000 Genomes Project 0.01218; gnomAD 0.01313; TOPMed 0.01398.

Submissions (6):

Labcorp Genetics (formerly Invitae), Labcorp
Classification: Benign for Familial hemophagocytic lymphohistiocytosis 3. Last evaluated: 2026-01-31. Review status: criteria provided, single submitter. Criteria: Invitae Variant Classification Sherloc (09022015). Collection method: clinical testing. Allele origin: germline.

Mayo Clinic Laboratories, Mayo Clinic
Classification: Benign. Last evaluated: 2023-07-31. Review status: criteria provided, single submitter. Criteria: ACMG Guidelines, 2015. Collection method: clinical testing. Allele origin: germline. Observed: 7 variant alleles.
Comment: BS1, BS2, BP4, BP7

Genome Diagnostics Laboratory, The Hospital for Sick Children
Classification: Likely benign for Autoinflammatory syndrome. Last evaluated: 2022-02-23. Review status: criteria provided, single submitter. Criteria: ACMG Guidelines, 2015. Collection method: clinical testing. Allele origin: germline. Affected: yes.

Illumina Laboratory Services, Illumina
Classification: Benign for Familial hemophagocytic lymphohistiocytosis 3. Last evaluated: 2018-01-12. Review status: criteria provided, single submitter. Criteria: ICSL Variant Classification Criteria 13 December 2019. Collection method: clinical testing. Allele origin: germline.
Comment: This variant was observed in the ICSL laboratory as part of a predisposition screen in an ostensibly healthy population. It had not been previously curated by ICSL or reported in the Human Gene Mutation Database (HGMD: prior to June 1st, 2018), and was therefore a candidate for classification through an automated scoring system. Utilizing variant allele frequency, disease prevalence and penetrance estimates, and inheritance mode, an automated score was calculated to assess if this variant is too frequent to cause the disease. Based on the score and internal cut-off values, a variant classified as benign is not then subjected to further curation. The score for this variant resulted in a classification of benign for this disease.

Breakthrough Genomics
Classification: Benign. Review status: criteria provided, single submitter. Criteria: ACMG Guidelines, 2015. Collection method: not provided. Allele origin: germline. Inheritance: Autosomal recessive inheritance. Affected: yes.

PreventionGenetics, part of Exact Sciences
Classification: Benign. Review status: criteria provided, single submitter. Criteria: ACMG Guidelines, 2015. Collection method: clinical testing. Allele origin: germline.